The following is an entry in ClinVar:

NM_000145.4(FSHR):c.919G>A (p.Ala307Thr)

Gene: FSHR (follicle stimulating hormone receptor; minus strand). Cytogenetic location: 2p16.3.
Variant type: single nucleotide variant.
Coding change: c.919G>A on transcript NM_000145.4 (MANE Select); coding-DNA position 919, G replaced by A.
Protein change: p.Ala307Thr; replaces alanine 307 with threonine.
Molecular consequence: missense variant.
Genome position (GRCh38, 1-based): chr2:48,963,902, C>T on the plus strand (G>A on the coding strand, the complement: FSHR is on the minus strand). VCF-style: chr2-48963902-C-T. GRCh37 (hg19) VCF-style: chr2-49191041-C-T.
Other names: c.841G>A, p.Ala281Thr (NM_181446.3); short protein forms A281T, A307T.
Identifiers: ClinVar variation 16246 (VCV000016246.12), dbSNP rs6165, ClinGen allele CA126302.

ClinVar aggregate classification (germline): Benign. Review status: criteria provided, multiple submitters, no conflicts (2 of 4 stars). 8 submissions from 6 submitters: Benign (8). Last evaluated 2024-11-26.

Conditions:
Ovarian dysgenesis 1 (ODG1). Also called: Gonadal dysgenesis XX type deafness; GONADAL DYSGENESIS, XX TYPE; OVARIAN DYSGENESIS, HYPERGONADOTROPIC, AUTOSOMAL RECESSIVE; OVARIAN DYSGENESIS, HYPERGONADOTROPIC, WITH NORMAL KARYOTYPE; OVARIAN FAILURE, HYPERGONADOTROPIC. Identifiers: Orphanet 243, MedGen C0949595, MONDO:0024463, OMIM 233300.
Ovarian hyperstimulation syndrome (OHSS). Also called: OVARIAN HYPERSTIMULATION SYNDROME, FAMILIAL GESTATIONAL SPONTANEOUS. Identifiers: Orphanet 64739, MedGen C0085083, MONDO:0011972, OMIM 608115.

Allele frequency attached by ClinVar (database versions not stated): gnomAD 0.47188 and 0.47979; TOPMed 0.47561; 1000 Genomes Project 30x 0.49079; 1000 Genomes Project 0.49221.
gnomAD v4.1: 873,545 of 1,613,318 alleles (54%); highest among the groups gnomAD compares: Admixed American, 65%; 240,465 homozygotes.

Submissions (8):

Blueprint Genetics
Classification: Benign. Last evaluated: 2024-11-26. Review status: criteria provided, single submitter. Criteria: ACMG Guidelines, 2015. Collection method: clinical testing. Allele origin: germline.

Genome-Nilou Lab
Classification: Benign for Ovarian dysgenesis 1. Last evaluated: 2021-08-10. Review status: criteria provided, single submitter. Criteria: ACMG Guidelines, 2015. Collection method: clinical testing. Allele origin: germline. Affected: no.

Genome-Nilou Lab
Classification: Benign for Ovarian hyperstimulation syndrome. Last evaluated: 2021-08-10. Review status: criteria provided, single submitter. Criteria: ACMG Guidelines, 2015. Collection method: clinical testing. Allele origin: germline. Affected: no.

Illumina Laboratory Services, Illumina
Classification: Benign for Ovarian dysgenesis 1. Last evaluated: 2018-03-06. Review status: criteria provided, single submitter. Criteria: ICSL Variant Classification Criteria 13 December 2019. Collection method: clinical testing. Allele origin: germline.
Comment: This variant was observed in the ICSL laboratory as part of a predisposition screen in an ostensibly healthy population. It had not been previously curated by ICSL or reported in the Human Gene Mutation Database (HGMD: prior to June 1st, 2018), and was therefore a candidate for classification through an automated scoring system. Utilizing variant allele frequency, disease prevalence and penetrance estimates, and inheritance mode, an automated score was calculated to assess if this variant is too frequent to cause the disease. Based on the score and internal cut-off values, a variant classified as benign is not then subjected to further curation. The score for this variant resulted in a classification of benign for this disease.

Illumina Laboratory Services, Illumina
Classification: Benign for Ovarian hyperstimulation syndrome. Last evaluated: 2018-03-06. Review status: criteria provided, single submitter. Criteria: ICSL Variant Classification Criteria 13 December 2019. Collection method: clinical testing. Allele origin: germline.
Comment: the same text as in the submission from Illumina Laboratory Services, Illumina above.

GeneDx
Classification: Benign. Last evaluated: 2015-03-03. Review status: criteria provided, single submitter. Criteria: GeneDx Variant Classification Process June 2021. Collection method: clinical testing. Allele origin: germline. Affected: yes.
Comment: This variant is associated with the following publications: (PMID: 28547204, 26291798, 16574671, 23139742, 20399696, 18591890, 23536150, 18321487, 19550076)

Breakthrough Genomics
Classification: Benign. Review status: criteria provided, single submitter. Criteria: ACMG Guidelines, 2015. Collection method: not provided. Allele origin: germline. Inheritance: Autosomal recessive inheritance. Affected: yes.

PreventionGenetics, part of Exact Sciences
Classification: Benign. Review status: criteria provided, single submitter. Criteria: ACMG Guidelines, 2015. Collection method: clinical testing. Allele origin: germline.